The following is an entry in ClinVar:

ClinVar aggregate classification (germline): Uncertain significance (1 of 4 stars; one submission).

Conditions:
Epilepsy. Also called: Seizure disorder. Identifiers: MedGen C0014544, MeSH D004827, MONDO:0005027.

Submission:

Labcorp Genetics (formerly Invitae), Labcorp
Classification: Uncertain significance for Epilepsy. Last evaluated: 2023-08-17. Review status: criteria provided, single submitter. Criteria: Invitae Variant Classification Sherloc (09022015). Collection method: clinical testing. Allele origin: germline.
Comment: In summary, the available evidence is currently insufficient to determine the role of this variant in disease. Therefore, it has been classified as a Variant of Uncertain Significance. Algorithms developed to predict the effect of missense changes on protein structure and function output the following: SIFT: "Not Available"; PolyPhen-2: "Benign"; Align-GVGD: "Not Available". The arginine amino acid residue is found in multiple mammalian species, which suggests that this missense change does not adversely affect protein function. ClinVar contains an entry for this variant (Variation ID: 1026916). This variant has not been reported in the literature in individuals affected with PIGQ-related conditions. This variant is not present in population databases (gnomAD no frequency). This sequence change replaces glycine, which is neutral and non-polar, with arginine, which is basic and polar, at codon 122 of the PIGQ protein (p.Gly122Arg).

NM_004204.5(PIGQ):c.364G>C (p.Gly122Arg)

Gene: PIGQ (phosphatidylinositol glycan anchor biosynthesis class Q; plus strand). Cytogenetic location: 16p13.3.
Variant type: single nucleotide variant.
Coding change: c.364G>C on transcript NM_004204.5 (MANE Select); coding-DNA position 364, G replaced by C.
Protein change: p.Gly122Arg; replaces glycine 122 with arginine.
Molecular consequence: missense variant.
Genome position (GRCh38, 1-based): chr16:574,438, G>C. VCF-style: chr16-574438-G-C. GRCh37 (hg19) VCF-style: chr16-624438-G-C.
Other names: c.364G>C, p.Gly122Arg (NM_148920.4); short protein forms G122R.
Identifiers: ClinVar variation 1026916 (VCV001026916.8), dbSNP rs1445684819, ClinGen allele CA394047828.